The following is an entry in ClinVar:

ClinVar aggregate classification (germline): Uncertain significance (1 of 4 stars; one submission).

Allele frequency attached by ClinVar (database versions not stated): gnomAD exomes below 0.00001.
gnomAD v4.1: 1 of 1,611,346 alleles (0.000062%); highest among the groups gnomAD compares: Non-Finnish European, 0.000085%; no homozygotes.

Submission:

Labcorp Genetics (formerly Invitae), Labcorp
Classification: Uncertain significance. Last evaluated: 2022-06-23. Review status: criteria provided, single submitter. Criteria: Invitae Variant Classification Sherloc (09022015). Collection method: clinical testing. Allele origin: germline.
Comment: This sequence change replaces leucine, which is neutral and non-polar, with valine, which is neutral and non-polar, at codon 1545 of the RTTN protein (p.Leu1545Val). This variant is not present in population databases (gnomAD no frequency). In summary, the available evidence is currently insufficient to determine the role of this variant in disease. Therefore, it has been classified as a Variant of Uncertain Significance. Algorithms developed to predict the effect of missense changes on protein structure and function (SIFT, PolyPhen-2, Align-GVGD) all suggest that this variant is likely to be tolerated. This variant has not been reported in the literature in individuals affected with RTTN-related conditions.

NM_173630.4(RTTN):c.4633C>G (p.Leu1545Val)

Gene: RTTN (rotatin; minus strand). Cytogenetic location: 18q22.2.
Variant type: single nucleotide variant.
Coding change: c.4633C>G on transcript NM_173630.4 (MANE Select); coding-DNA position 4633, C replaced by G.
Protein change: p.Leu1545Val; replaces leucine 1545 with valine.
Molecular consequence: missense variant.
Genome position (GRCh38, 1-based): chr18:70,073,926, G>C on the plus strand (C>G on the coding strand, the complement: RTTN is on the minus strand). VCF-style: chr18-70073926-G-C. GRCh37 (hg19) VCF-style: chr18-67741162-G-C.
Other names: c.1897C>G, p.Leu633Val (NM_001318520.2); short protein forms L1545V, L633V.
Identifiers: ClinVar variation 2009776 (VCV002009776.4), dbSNP rs2512137366, ClinGen allele CA402679955.